The following is an entry in ClinVar:

NM_032043.3(BRIP1):c.1677A>C (p.Thr559=)

Gene: BRIP1 (BRCA1 interacting DNA helicase 1; minus strand). Cytogenetic location: 17q23.2.
Variant type: single nucleotide variant.
Coding change: c.1677A>C on transcript NM_032043.3 (MANE Select); coding-DNA position 1677, A replaced by C.
Protein change: p.Thr559=; no amino-acid change (threonine 559 retained).
Molecular consequence: synonymous variant.
Genome position (GRCh38, 1-based): chr17:61,780,957, T>G on the plus strand (A>C on the coding strand, the complement: BRIP1 is on the minus strand). VCF-style: chr17-61780957-T-G. GRCh37 (hg19) VCF-style: chr17-59858318-T-G.
Identifiers: ClinVar variation 1777806 (VCV001777806.6), dbSNP rs2545030403, ClinGen allele CA501150571.

ClinVar aggregate classification (germline): Benign/Likely benign. Review status: criteria provided, multiple submitters, no conflicts (2 of 4 stars). 3 submissions from 3 submitters: Benign (1); Likely benign (2). Last evaluated 2024-08-29.

Conditions:
Hereditary cancer-predisposing syndrome. Also called: Tumor predisposition; Neoplastic Syndromes, Hereditary; Hereditary Cancer Syndrome; Hereditary neoplastic syndrome. Identifiers: Orphanet 140162, MedGen C0027672, MeSH D009386, MONDO:0015356.
Fanconi anemia complementation group J. Also called: BRIP1-Related Fanconi Anemia. Identifiers: Orphanet 84, MedGen C1836860, MONDO:0012187, OMIM 609054.
Familial cancer of breast. Also called: BREAST CANCER, FAMILIAL; Hereditary breast cancer; hereditary breast carcinoma. Identifiers: Orphanet 227535, MedGen C0346153, MONDO:0016419, OMIM 114480. Disease mechanism: loss of function.

Submissions (3):

Myriad Genetics, Inc.
Classification: Benign for Familial cancer of breast. Last evaluated: 2024-08-29. Review status: criteria provided, single submitter. Criteria: Myriad Autosomal Dominant, Autosomal Recessive and X-Linked Classification Criteria (2023). Collection method: clinical testing. Allele origin: unknown.
Comment: This variant is considered benign. This variant is a silent/synonymous amino acid change and it is not expected to impact splicing.

Labcorp Genetics (formerly Invitae), Labcorp
Classification: Likely benign for Familial cancer of breast; Fanconi anemia complementation group J. Last evaluated: 2024-05-06. Review status: criteria provided, single submitter. Criteria: Invitae Variant Classification Sherloc (09022015). Collection method: clinical testing. Allele origin: germline.

Ambry Genetics
Classification: Likely benign for Hereditary cancer-predisposing syndrome. Last evaluated: 2019-06-02. Review status: criteria provided, single submitter. Criteria: Ambry Variant Classification Scheme 2023. Collection method: clinical testing. Allele origin: germline.